The following is an entry in ClinVar:

ClinVar aggregate classification (germline): Likely pathogenic. Review status: criteria provided, multiple submitters, no conflicts (2 of 4 stars). 3 submissions from 3 submitters: Likely pathogenic (2). 1 of the submissions does not count toward it. Last evaluated 2025-02-12.

Conditions:
Retinitis pigmentosa (RP). Identifiers: Orphanet 791, MedGen C0035334, MeSH D012174, MONDO:0019200, OMIM 268000. Inheritance: Autosomal dominant, autosomal recessive and X linked inheritance.
ADGRV1-related disorder. Also called: ADGRV1-related condition; ADGRV1-related disorders.

Submissions (3):

PreventionGenetics, part of Exact Sciences
Classification: Likely pathogenic for ADGRV1-related condition. Last evaluated: 2025-02-12. Review status: criteria provided, single submitter. Criteria: ACMG Guidelines, 2015. Collection method: clinical testing. Allele origin: germline.
Comment: The ADGRV1 c.4379-1G>A variant is predicted to disrupt the AG splice acceptor site and interfere with normal splicing. This variant was reported in a compound heterozygous individual with retinitis pigmentosa (Table S1, Patient 147, Jespersgaard et al. 2019. PubMed ID: 30718709). This variant has not been reported in gnomAD, indicating it is rare. Variants that disrupt the consensus splice acceptor site in ADGRV1 are expected to be pathogenic. This variant is interpreted as likely pathogenic.

Labcorp Genetics (formerly Invitae), Labcorp
Classification: Likely pathogenic. Last evaluated: 2021-01-06. Review status: criteria provided, single submitter. Criteria: Invitae Variant Classification Sherloc (09022015). Collection method: clinical testing. Allele origin: germline.
Comment: This variant is not present in population databases (ExAC no frequency). This sequence change affects an acceptor splice site in intron 20 of the ADGRV1 gene. It is expected to disrupt RNA splicing. Variants that disrupt the donor or acceptor splice site typically lead to a loss of protein function (PMID: 16199547), and loss-of-function variants in ADGRV1 are known to be pathogenic (PMID: 19357117, 22135276, 22147658, 26667666, 30029497). This variant has been observed in individual(s) with retinitis pigmentosa (PMID: 30718709). This gene is also known as GPR98 in the literature. ClinVar contains an entry for this variant (Variation ID: 635993). Algorithms developed to predict the effect of sequence changes on RNA splicing suggest that this variant may disrupt the consensus splice site, but this prediction has not been confirmed by published transcriptional studies. In summary, the currently available evidence indicates that the variant is pathogenic, but additional data are needed to prove that conclusively. Therefore, this variant has been classified as Likely Pathogenic.

Department of Clinical Genetics, Copenhagen University Hospital, Rigshospitalet
Classification: Likely pathogenic for Retinitis pigmentosa. Last evaluated: 2018-04-01. Review status: no assertion criteria provided. Collection method: research. Allele origin: unknown. Affected: yes. Study: VeluxRD. Not counted in ClinVar's aggregate classification.

Literature cited by the submitters: PubMed 16199547 (cited by Labcorp Genetics (formerly Invitae), Labcorp); PubMed 19357117 (cited by Labcorp Genetics (formerly Invitae), Labcorp); PubMed 22135276 (cited by Labcorp Genetics (formerly Invitae), Labcorp); PubMed 22147658 (cited by Labcorp Genetics (formerly Invitae), Labcorp); PubMed 26667666 (cited by Labcorp Genetics (formerly Invitae), Labcorp); PubMed 30029497 (cited by Labcorp Genetics (formerly Invitae), Labcorp); PubMed 30718709 (cited by Labcorp Genetics (formerly Invitae), Labcorp and Department of Clinical Genetics, Copenhagen University Hospital, Rigshospitalet).

NM_032119.4(ADGRV1):c.4379-1G>A

Gene: ADGRV1 (adhesion G protein-coupled receptor V1; plus strand). Cytogenetic location: 5q14.3.
Variant type: single nucleotide variant.
Coding change: c.4379-1G>A on transcript NM_032119.4 (MANE Select); the canonical splice acceptor site of the intron before coding-DNA position 4379, G replaced by A.
Molecular consequence: splice acceptor variant.
Genome position (GRCh38, 1-based): chr5:90,657,904, G>A. VCF-style: chr5-90657904-G-A. GRCh37 (hg19) VCF-style: chr5-89953721-G-A.
Identifiers: ClinVar variation 635993 (VCV000635993.9), dbSNP rs1432643009, ClinGen allele CA360403420.